The following is an entry in ClinVar:

NM_000135.4(FANCA):c.923G>A (p.Gly308Asp)

Gene: FANCA (FA complementation group A; minus strand). Cytogenetic location: 16q24.3.
Variant type: single nucleotide variant.
Coding change: c.923G>A on transcript NM_000135.4 (MANE Select); coding-DNA position 923, G replaced by A.
Protein change: p.Gly308Asp; replaces glycine 308 with aspartic acid.
Molecular consequence: missense variant.
Genome position (GRCh38, 1-based): chr16:89,795,989, C>T on the plus strand (G>A on the coding strand, the complement: FANCA is on the minus strand). VCF-style: chr16-89795989-C-T. GRCh37 (hg19) VCF-style: chr16-89862397-C-T.
Other names: c.923G>A (NM_000135.3); c.923G>A, p.Gly308Asp (NM_001286167.3); short protein forms G308D.
Identifiers: ClinVar variation 1501164 (VCV001501164.9), dbSNP rs1441102361, ClinGen allele CA397470289.

ClinVar aggregate classification (germline): Uncertain significance. Review status: criteria provided, multiple submitters, no conflicts (2 of 4 stars). 3 submissions from 3 submitters: Uncertain significance (3). Last evaluated 2024-03-29.

Conditions:
Fanconi anemia (FA). Also called: Fanconi's anemia. Identifiers: Orphanet 84, MedGen C0015625, MeSH D005199, MONDO:0019391.
Fanconi anemia complementation group A (FANCA). Also called: FANCA-Related Fanconi Anemia; Fanconi anemia, group A. Identifiers: Orphanet 84, MedGen C3469521, MONDO:0009215, OMIM 227650.

Allele frequency attached by ClinVar (database versions not stated): gnomAD exomes below 0.00001.
gnomAD v4.1: 2 of 1,614,106 alleles (0.00012%); highest among the groups gnomAD compares: Non-Finnish European, 0.00017%; no homozygotes.

Submissions (3):

Fulgent Genetics
Classification: Uncertain significance for Fanconi anemia complementation group A. Last evaluated: 2024-03-29. Review status: criteria provided, single submitter. Criteria: ACMG Guidelines, 2015. Collection method: clinical testing. Allele origin: germline.

Quest Diagnostics Nichols Institute San Juan Capistrano
Classification: Uncertain significance. Last evaluated: 2024-03-13. Review status: criteria provided, single submitter. Criteria: Quest Diagnostics criteria. Collection method: clinical testing. Allele origin: unknown.
Comment: The FANCA c.923G>A (p.Gly308Asp) variant has been reported in the published literature in a cohort of individuals with hereditary cancer (PMID: 32235514 (2020)). The frequency of this variant in the general population, 0.000004 (1/251438 chromosomes (Genome Aggregation Database)), is uninformative in the assessment of its pathogenicity. Analysis of this variant using bioinformatics tools for the prediction of the effect of amino acid changes on protein structure and function yielded predictions that this variant is benign. Based on the available information, we are unable to determine the clinical significance of this variant.

Labcorp Genetics (formerly Invitae), Labcorp
Classification: Uncertain significance for Fanconi anemia. Last evaluated: 2023-11-05. Review status: criteria provided, single submitter. Criteria: Invitae Variant Classification Sherloc (09022015). Collection method: clinical testing. Allele origin: germline.
Comment: This sequence change replaces glycine, which is neutral and non-polar, with aspartic acid, which is acidic and polar, at codon 308 of the FANCA protein (p.Gly308Asp). This variant is present in population databases (no rsID available, gnomAD 0.0009%). This variant has not been reported in the literature in individuals affected with FANCA-related conditions. ClinVar contains an entry for this variant (Variation ID: 1501164). Advanced modeling of protein sequence and biophysical properties (such as structural, functional, and spatial information, amino acid conservation, physicochemical variation, residue mobility, and thermodynamic stability) performed at Invitae indicates that this missense variant is not expected to disrupt FANCA protein function with a negative predictive value of 80%. In summary, the available evidence is currently insufficient to determine the role of this variant in disease. Therefore, it has been classified as a Variant of Uncertain Significance.

Literature cited by the submitters: PubMed 32235514 (cited by Quest Diagnostics Nichols Institute San Juan Capistrano).